The following is an entry in ClinVar:

NM_016204.4(GDF2):c.521A>T (p.Asp174Val)

Gene: GDF2 (growth differentiation factor 2; plus strand). Cytogenetic location: 10q11.22.
Variant type: single nucleotide variant.
Coding change: c.521A>T on transcript NM_016204.4 (MANE Select); coding-DNA position 521, A replaced by T.
Protein change: p.Asp174Val; replaces aspartic acid 174 with valine.
Molecular consequence: missense variant.
Genome position (GRCh38, 1-based): chr10:47,325,015, A>T. VCF-style: chr10-47325015-A-T. GRCh37 (hg19) VCF-style: chr10-48414347-T-A.
Other names: short protein forms D174V.
Identifiers: ClinVar variation 2705208 (VCV002705208.3), dbSNP rs2549019529, ClinGen allele CA376654695.

ClinVar aggregate classification (germline): Uncertain significance (1 of 4 stars; one submission).

Conditions:
Telangiectasia, hereditary hemorrhagic, type 5 (HHT5). Identifiers: Orphanet 774, MedGen C3809710, MONDO:0014217, OMIM 615506.

Submission:

Labcorp Genetics (formerly Invitae), Labcorp
Classification: Uncertain significance for Telangiectasia, hereditary hemorrhagic, type 5. Last evaluated: 2023-10-29. Review status: criteria provided, single submitter. Criteria: Invitae Variant Classification Sherloc (09022015). Collection method: clinical testing. Allele origin: germline.
Comment: This sequence change replaces aspartic acid, which is acidic and polar, with valine, which is neutral and non-polar, at codon 174 of the GDF2 protein (p.Asp174Val). This variant is not present in population databases (gnomAD no frequency). This variant has not been reported in the literature in individuals affected with GDF2-related conditions. An algorithm developed to predict the effect of missense changes on protein structure and function (PolyPhen-2) suggests that this variant is likely to be disruptive. In summary, the available evidence is currently insufficient to determine the role of this variant in disease. Therefore, it has been classified as a Variant of Uncertain Significance.